The following is an entry in ClinVar:

NM_000062.3(SERPING1):c.1250-2A>C

Gene: SERPING1 (serpin family G member 1; plus strand). Cytogenetic location: 11q12.1.
Variant type: single nucleotide variant.
Coding change: c.1250-2A>C on transcript NM_000062.3 (MANE Select); the canonical splice acceptor site of the intron before coding-DNA position 1250, A replaced by C.
Molecular consequence: splice acceptor variant.
Genome position (GRCh38, 1-based): chr11:57,614,326, A>C. VCF-style: chr11-57614326-A-C. GRCh37 (hg19) VCF-style: chr11-57381799-A-C.
Other names: c.1250-2A>C (NM_001032295.2).
Identifiers: ClinVar variation 3659682 (VCV003659682.2).

ClinVar aggregate classification (germline): Pathogenic (1 of 4 stars; one submission).

Submission:

Labcorp Genetics (formerly Invitae), Labcorp
Classification: Pathogenic. Last evaluated: 2024-07-16. Review status: criteria provided, single submitter. Criteria: Invitae Variant Classification Sherloc (09022015). Collection method: clinical testing. Allele origin: germline.
Comment: This sequence change affects an acceptor splice site in intron 7 of the SERPING1 gene. While this variant is not anticipated to result in nonsense mediated decay, it likely alters RNA splicing and results in a disrupted protein product. This variant is not present in population databases (gnomAD no frequency). Disruption of this splice site has been observed in individuals with autosomal dominant angioedema (PMID: 18758157, 28302171, 35821062). It has also been observed to segregate with disease in related individuals. Variants that disrupt the consensus splice site are a relatively common cause of aberrant splicing (PMID: 17576681, 9536098). Algorithms developed to predict the effect of sequence changes on RNA splicing suggest that this variant may disrupt the consensus splice site. For these reasons, this variant has been classified as Pathogenic.

Literature cited by the submitters: PubMed 18758157; PubMed 28302171; PubMed 35821062; PubMed 17576681; PubMed 9536098.